The following is an entry in ClinVar:

ClinVar aggregate classification (germline): Pathogenic (1 of 4 stars; one submission).

Conditions:
Recessive dystrophic epidermolysis bullosa (RDEB). Also called: DYSTROPHIC EPIDERMOLYSIS BULLOSA, AUTOSOMAL RECESSIVE; EPIDERMOLYSIS BULLOSA DYSTROPHICA, HALLOPEAU-SIEMENS TYPE; Hallopeau-Siemens Disease; severe generalized recessive dystrophic epidermolysis bullosa; EPIDERMOLYSIS BULLOSA DYSTROPHICA, GENERALIZED SEVERE, AUTOSOMAL RECESSIVE; Epidermolysis Bullosa Distrophica Autosomal Recessive (RDEB). Identifiers: Orphanet 79408, Orphanet 79409, MedGen C0079474, MONDO:0009179, OMIM 226600.

Submission:

Myriad Genetics, Inc.
Classification: Pathogenic for Recessive dystrophic epidermolysis bullosa. Last evaluated: 2025-04-29. Review status: criteria provided, single submitter. Criteria: Myriad Autosomal Dominant, Autosomal Recessive and X-Linked Classification Criteria (2023). Collection method: clinical testing. Allele origin: unknown.
Comment: NM_000094.3(COL7A1):c.3830dupC(R1279Qfs*81) is expected to be pathogenic in the context of dystrophic epidermolysis bullosa. This variant is predicted to lead to an abnormal or absent protein product due to the creation of a premature termination codon in COL7A1, a gene where loss-of-function variants are known to be pathogenic. Please note: this variant was assessed in the context of healthy population screening.

NM_000094.4(COL7A1):c.3830dup (p.Arg1279fs)

Gene: COL7A1 (collagen type VII alpha 1 chain; minus strand). Cytogenetic location: 3p21.31.
Variant type: Duplication.
Coding change: c.3830dup on transcript NM_000094.4 (MANE Select); coding-DNA position 3830, one base duplicated (C; older notation c.3830dupC).
Protein change: p.Arg1279fs; shifts the reading frame from arginine 1279.
Molecular consequence: frameshift variant.
Genome position (GRCh38, 1-based): chr3:48,585,691, G duplicated on the plus strand (C on the coding strand, the reverse complement: COL7A1 is on the minus strand); the first of 3 consecutive G bases (chr3:48,585,691-48,585,693); duplicating any one gives the same sequence. VCF-style (leftmost placement, unchanged base first): chr3-48585690-C-CG. GRCh37 (hg19) VCF-style: chr3-48623123-C-CG.
Other names: short protein forms R1279fs.
Identifiers: ClinVar variation 5014362 (VCV005014362.1).